The following is an entry in ClinVar:

ClinVar aggregate classification (germline): Likely pathogenic (1 of 4 stars; one submission).

Conditions:
Walker-Warburg congenital muscular dystrophy. Also called: Muscular dystrophy-dystroglycanopathy, type A; Walker-Warburg syndrome. Identifiers: Orphanet 899, MedGen C0265221, MONDO:0000171.

Submission:

Labcorp Genetics (formerly Invitae), Labcorp
Classification: Likely pathogenic for Walker-Warburg congenital muscular dystrophy. Last evaluated: 2022-10-26. Review status: criteria provided, single submitter. Criteria: Invitae Variant Classification Sherloc (09022015). Collection method: clinical testing. Allele origin: germline.
Comment: Advanced modeling of protein sequence and biophysical properties (such as structural, functional, and spatial information, amino acid conservation, physicochemical variation, residue mobility, and thermodynamic stability) performed at Invitae indicates that this missense variant is expected to disrupt FKRP protein function. This sequence change replaces glycine, which is neutral and non-polar, with valine, which is neutral and non-polar, at codon 196 of the FKRP protein (p.Gly196Val). This variant is not present in population databases (gnomAD no frequency). This missense change has been observed in individual(s) with clinical features of FKRP-related conditions (Invitae). This variant disrupts the p.Gly196 amino acid residue in FKRP. Other variant(s) that disrupt this residue have been determined to be pathogenic (PMID: 24257234, 32429923; Invitae). This suggests that this residue is clinically significant, and that variants that disrupt this residue are likely to be disease-causing. In summary, the currently available evidence indicates that the variant is pathogenic, but additional data are needed to prove that conclusively. Therefore, this variant has been classified as Likely Pathogenic.

Literature cited by the submitters: PubMed 24257234; PubMed 32429923.

NM_024301.5(FKRP):c.587G>T (p.Gly196Val)

Gene: FKRP (fukutin related protein; plus strand). Cytogenetic location: 19q13.32.
Variant type: single nucleotide variant.
Coding change: c.587G>T on transcript NM_024301.5 (MANE Select); coding-DNA position 587, G replaced by T.
Protein change: p.Gly196Val; replaces glycine 196 with valine.
Molecular consequence: missense variant.
Genome position (GRCh38, 1-based): chr19:46,756,037, G>T. VCF-style: chr19-46756037-G-T. GRCh37 (hg19) VCF-style: chr19-47259294-G-T.
Other names: c.587G>T, p.Gly196Val (NM_001039885.3); short protein forms G196V.
Identifiers: ClinVar variation 2809697 (VCV002809697.3), dbSNP rs2513989754, ClinGen allele CA406495617.